The following is an entry in ClinVar:

ClinVar aggregate classification (germline): Uncertain significance (1 of 4 stars; one submission).

Conditions:
Hereditary cancer-predisposing syndrome. Also called: Tumor predisposition; Neoplastic Syndromes, Hereditary; Hereditary neoplastic syndrome; Hereditary Cancer Syndrome. Identifiers: Orphanet 140162, MedGen C0027672, MeSH D009386, MONDO:0015356.

Submission:

Ambry Genetics
Classification: Uncertain significance for Hereditary cancer-predisposing syndrome. Last evaluated: 2024-10-07. Review status: criteria provided, single submitter. Criteria: Ambry Variant Classification Scheme 2023. Collection method: clinical testing. Allele origin: germline.
Comment: The p.P45R variant (also known as c.134C>G), located in coding exon 1 of the SMARCA4 gene, results from a C to G substitution at nucleotide position 134. The proline at codon 45 is replaced by arginine, an amino acid with dissimilar properties. This amino acid position is conserved. In addition, this alteration is predicted to be deleterious by in silico analysis. Based on the available evidence, the clinical significance of this variant remains unclear.

NM_003072.5(SMARCA4):c.134C>G (p.Pro45Arg)

Gene: SMARCA4 (SWI/SNF related BAF chromatin remodeling complex subunit ATPase 4; plus strand). Cytogenetic location: 19p13.2.
Variant type: single nucleotide variant.
Coding change: c.134C>G on transcript NM_003072.5 (MANE Select); coding-DNA position 134, C replaced by G.
Protein change: p.Pro45Arg; replaces proline 45 with arginine.
Molecular consequence: missense variant. On other transcripts: non-coding transcript variant (1).
Genome position (GRCh38, 1-based): chr19:10,984,285, C>G. VCF-style: chr19-10984285-C-G. GRCh37 (hg19) VCF-style: chr19-11094961-C-G.
Other names: c.134C>G, p.Pro45Arg (NM_001128844.3, NM_001128845.2, NM_001128846.2 and 6 more transcripts); short protein forms P45R.
Identifiers: ClinVar variation 3445964 (VCV003445964.1).